The following is an entry in ClinVar:

NM_000532.5(PCCB):c.1519C>T (p.Gln507Ter)

Gene: PCCB (propionyl-CoA carboxylase subunit beta; plus strand). Cytogenetic location: 3q22.3.
Variant type: single nucleotide variant.
Coding change: c.1519C>T on transcript NM_000532.5 (MANE Select); coding-DNA position 1519, C replaced by T.
Protein change: p.Gln507Ter; replaces glutamine 507 with a stop codon.
Molecular consequence: nonsense.
Genome position (GRCh38, 1-based): chr3:136,329,925, C>T. VCF-style: chr3-136329925-C-T. GRCh37 (hg19) VCF-style: chr3-136048767-C-T.
Other names: c.1579C>T, p.Gln527Ter (NM_001178014.2); short protein forms Q507*, Q527*.
Identifiers: ClinVar variation 1451153 (VCV001451153.9), dbSNP rs2108241656, ClinGen allele CA354649974.
Genomic context (GRCh38, chr3:136,329,925, plus strand): 5'-GGGATGCAGATGATCCACTCCCTTTTCTGTGCTTCACCAGGGTTTGTGGATGACATCATC[C>T]AACCTTCTTCCACACGTGCCCGAATCTGCTGTGACCTGGATGTCTTGGCCAGCAAGAAGG-3'

ClinVar aggregate classification (germline): Pathogenic. Review status: criteria provided, multiple submitters, no conflicts (2 of 4 stars). 2 submissions from 2 submitters: Pathogenic (2). Last evaluated 2024-10-04.

Conditions:
Propionic acidemia (PROP). Also called: GLYCINEMIA, KETOTIC; HYPERGLYCINEMIA WITH KETOACIDOSIS AND LEUKOPENIA; KETOTIC HYPERGLYCINEMIA. Identifiers: Orphanet 35, MedGen C0268579, MONDO:0011628, OMIM 606054, HP:0003571.

Allele frequency attached by ClinVar (database versions not stated): gnomAD exomes below 0.00001.
gnomAD v4.1: 4 of 1,614,178 alleles (0.00025%); highest among the groups gnomAD compares: Non-Finnish European, 0.00034%; no homozygotes.

Submissions (2):

Dubai Health Genomic Medicine Center, Dubai Health
Classification: Pathogenic for Propionic acidemia. Last evaluated: 2024-10-04. Review status: criteria provided, single submitter. Criteria: ACMG Guidelines, 2015. Collection method: research. Allele origin: germline. Affected: yes.
Comment: PVS1,PM1,PM2

Labcorp Genetics (formerly Invitae), Labcorp
Classification: Pathogenic for Propionic acidemia. Last evaluated: 2021-02-06. Review status: criteria provided, single submitter. Criteria: Invitae Variant Classification Sherloc (09022015). Collection method: clinical testing. Allele origin: germline.
Comment: For these reasons, this variant has been classified as Pathogenic. This sequence change creates a premature translational stop signal (p.Gln507*) in the PCCB gene. While this is not anticipated to result in nonsense mediated decay, it is expected to disrupt the last 33 amino acid(s) of the PCCB protein. This variant is not present in population databases (ExAC no frequency). This variant has not been reported in the literature in individuals with PCCB-related conditions. This variant disrupts the C-terminus of the PCCB protein. Other variant(s) that disrupt this region (p.Arg514*) have been determined to be pathogenic (PMID: 27227689, 11136555, 24059531). This suggests that variants that disrupt this region of the protein are likely to be causative of disease.

Literature cited by the submitters: PubMed 27227689 (cited by Labcorp Genetics (formerly Invitae), Labcorp); PubMed 11136555 (cited by Labcorp Genetics (formerly Invitae), Labcorp); PubMed 24059531 (cited by Labcorp Genetics (formerly Invitae), Labcorp).